The following is an entry in ClinVar:

ClinVar aggregate classification (germline): Uncertain significance (1 of 4 stars; one submission).

Submission:

Labcorp Genetics (formerly Invitae), Labcorp
Classification: Uncertain significance. Last evaluated: 2024-06-10. Review status: criteria provided, single submitter. Criteria: Invitae Variant Classification Sherloc (09022015). Collection method: clinical testing. Allele origin: germline.
Comment: This sequence change replaces glutamic acid, which is acidic and polar, with lysine, which is basic and polar, at codon 206 of the TCIRG1 protein (p.Glu206Lys). This variant is not present in population databases (gnomAD no frequency). This variant has not been reported in the literature in individuals affected with TCIRG1-related conditions. Advanced modeling of protein sequence and biophysical properties (such as structural, functional, and spatial information, amino acid conservation, physicochemical variation, residue mobility, and thermodynamic stability) performed at Invitae indicates that this missense variant is not expected to disrupt TCIRG1 protein function with a negative predictive value of 80%. In summary, the available evidence is currently insufficient to determine the role of this variant in disease. Therefore, it has been classified as a Variant of Uncertain Significance.

NM_006019.4(TCIRG1):c.616G>A (p.Glu206Lys)

Gene: TCIRG1 (T cell immune regulator 1, ATPase H+ transporting V0 subunit a3; plus strand). Cytogenetic location: 11q13.2.
Variant type: single nucleotide variant.
Coding change: c.616G>A on transcript NM_006019.4 (MANE Select); coding-DNA position 616, G replaced by A.
Protein change: p.Glu206Lys; replaces glutamic acid 206 with lysine.
Molecular consequence: missense variant. On other transcripts: 5 prime UTR variant (2).
Genome position (GRCh38, 1-based): chr11:68,043,483, G>A. VCF-style: chr11-68043483-G-A. GRCh37 (hg19) VCF-style: chr11-67810950-G-A.
Other names: c.-295G>A (NM_001351059.2); c.-33G>A (NM_006053.4); short protein forms E206K.
Identifiers: ClinVar variation 3687838 (VCV003687838.2).